The following is an entry in ClinVar:

ClinVar aggregate classification (germline): Uncertain significance (1 of 4 stars; one submission).

Submission:

Labcorp Genetics (formerly Invitae), Labcorp
Classification: Uncertain significance. Last evaluated: 2023-11-21. Review status: criteria provided, single submitter. Criteria: Invitae Variant Classification Sherloc (09022015). Collection method: clinical testing. Allele origin: germline.
Comment: This sequence change replaces isoleucine, which is neutral and non-polar, with valine, which is neutral and non-polar, at codon 656 of the NFKB1 protein (p.Ile656Val). This variant is not present in population databases (gnomAD no frequency). This variant has not been reported in the literature in individuals affected with NFKB1-related conditions. Advanced modeling of protein sequence and biophysical properties (such as structural, functional, and spatial information, amino acid conservation, physicochemical variation, residue mobility, and thermodynamic stability) performed at Invitae indicates that this missense variant is not expected to disrupt NFKB1 protein function with a negative predictive value of 80%. In summary, the available evidence is currently insufficient to determine the role of this variant in disease. Therefore, it has been classified as a Variant of Uncertain Significance.

NM_003998.4(NFKB1):c.1966A>G (p.Ile656Val)

Gene: NFKB1 (nuclear factor kappa B subunit 1; plus strand). Cytogenetic location: 4q24.
Variant type: single nucleotide variant.
Coding change: c.1966A>G on transcript NM_003998.4 (MANE Select); coding-DNA position 1966, A replaced by G.
Protein change: p.Ile656Val; replaces isoleucine 656 with valine.
Molecular consequence: missense variant.
Genome position (GRCh38, 1-based): chr4:102,607,161, A>G. VCF-style: chr4-102607161-A-G. GRCh37 (hg19) VCF-style: chr4-103528318-A-G.
Other names: c.1963A>G, p.Ile655Val (NM_001165412.2, NM_001319226.2, NM_001382627.1); c.1966A>G, p.Ile656Val (NM_001382625.1, NM_001382626.1); c.1924A>G, p.Ile642Val (NM_001382628.1); short protein forms I642V, I656V, I655V.
Identifiers: ClinVar variation 2696236 (VCV002696236.3), dbSNP rs1460756330, ClinGen allele CA357752294.